The following is an entry in ClinVar:

ClinVar aggregate classification (germline): Pathogenic (1 of 4 stars; one submission).

Conditions:
Mucolipidosis type II. Also called: Mucolipidosis 2; ML 2; Inclusion cell disease; Leroy Disease; N-acetylglucosamine 1phosphotransferase deficiency; ML disorder type 2. Identifiers: Orphanet 576, MedGen C2673377, MONDO:0009650, OMIM 252500.
Pseudo-Hurler polydystrophy. Also called: ML IIIA; Mucolipidosis III Alpha/Beta; MUCOLIPIDOSIS IIIA; ML III; ML III ALPHA/BETA; Type III Mucolipidosis. Identifiers: Orphanet 423461, Orphanet 577, MedGen C0033788, MONDO:0018931, OMIM 252600.

Submission:

Labcorp Genetics (formerly Invitae), Labcorp
Classification: Pathogenic for Pseudo-Hurler polydystrophy; Mucolipidosis type II. Last evaluated: 2022-05-20. Review status: criteria provided, single submitter. Criteria: Invitae Variant Classification Sherloc (09022015). Collection method: clinical testing. Allele origin: germline.
Comment: For these reasons, this variant has been classified as Pathogenic. This variant has not been reported in the literature in individuals affected with GNPTAB-related conditions. This sequence change creates a premature translational stop signal (p.Leu260Phefs*20) in the GNPTAB gene. It is expected to result in an absent or disrupted protein product. Loss-of-function variants in GNPTAB are known to be pathogenic (PMID: 19617216, 25107912). This variant is not present in population databases (gnomAD no frequency).

Literature cited by the submitters: PubMed 19617216; PubMed 25107912.

NM_024312.5(GNPTAB):c.780_895delinsTTTTTATTATGGGAT (p.Leu260fs)

Gene: GNPTAB (N-acetylglucosamine-1-phosphate transferase subunits alpha and beta; minus strand). Cytogenetic location: 12q23.2.
Variant type: Indel.
Coding change: c.780_895delinsTTTTTATTATGGGAT on transcript NM_024312.5 (MANE Select); coding-DNA positions 780 to 895, the reference bases replaced by TTTTTATTATGGGAT.
Protein change: p.Leu260fs; shifts the reading frame from leucine 260.
Molecular consequence: frameshift variant.
Genome position (GRCh38, 1-based): chr12:101,771,034-101,771,149, 116 bases replaced. GRCh37 (hg19): chr12:102,164,812-102,164,927.
Other names: short protein forms L260fs.
Identifiers: ClinVar variation 2135965 (VCV002135965.4), dbSNP rs2547961828, ClinGen allele CA2580085726.